The following is an entry in ClinVar:

NM_006445.4(PRPF8):c.6263A>G (p.Asn2088Ser)

Gene: PRPF8 (pre-mRNA processing factor 8; minus strand). Cytogenetic location: 17p13.3.
Variant type: single nucleotide variant.
Coding change: c.6263A>G on transcript NM_006445.4 (MANE Select); coding-DNA position 6263, A replaced by G.
Protein change: p.Asn2088Ser; replaces asparagine 2088 with serine.
Molecular consequence: missense variant.
Genome position (GRCh38, 1-based): chr17:1,653,648, T>C on the plus strand (A>G on the coding strand, the complement: PRPF8 is on the minus strand). VCF-style: chr17-1653648-T-C. GRCh37 (hg19) VCF-style: chr17-1556942-T-C.
Other names: short protein forms N2088S.
Identifiers: ClinVar variation 1024671 (VCV001024671.6), dbSNP rs763727794, ClinGen allele CA8271220.

ClinVar aggregate classification (germline): Conflicting classifications of pathogenicity. Review status: criteria provided, conflicting classifications (1 of 4 stars). 2 submissions from 2 submitters: Uncertain significance (1); Likely benign (1). Last evaluated 2026-01-21.

Allele frequency attached by ClinVar (database versions not stated): gnomAD exomes below 0.00001 and 0.00001; ExAC 0.00001; gnomAD 0.00001.
gnomAD v4.1: 14 of 1,614,034 alleles (0.00087%); highest among the groups gnomAD compares: South Asian, 0.0022%; no homozygotes.

Submissions (2):

Labcorp Genetics (formerly Invitae), Labcorp
Classification: Uncertain significance. Last evaluated: 2026-01-21. Review status: criteria provided, single submitter. Criteria: Invitae Variant Classification Sherloc (09022015). Collection method: clinical testing. Allele origin: germline.
Comment: This sequence change replaces asparagine, which is neutral and polar, with serine, which is neutral and polar, at codon 2088 of the PRPF8 protein (p.Asn2088Ser). This variant is present in population databases (rs763727794, gnomAD 0.0009%). This variant has not been reported in the literature in individuals affected with PRPF8-related conditions. ClinVar contains an entry for this variant (Variation ID: 1024671). Invitae Evidence Modeling of protein sequence and biophysical properties (such as structural, functional, and spatial information, amino acid conservation, physicochemical variation, residue mobility, and thermodynamic stability) indicates that this missense variant is not expected to disrupt PRPF8 protein function with a negative predictive value of 80%. In summary, the available evidence is currently insufficient to determine the role of this variant in disease. Therefore, it has been classified as a Variant of Uncertain Significance.

Blueprint Genetics
Classification: Likely benign. Last evaluated: 2022-03-31. Review status: criteria provided, single submitter. Criteria: ACMG Guidelines, 2015. Collection method: clinical testing. Allele origin: germline.